The following is an entry in ClinVar:

NM_001002295.2(GATA3):c.254G>A (p.Cys85Tyr)

Gene: GATA3 (GATA binding protein 3; plus strand). Cytogenetic location: 10p14.
Variant type: single nucleotide variant.
Coding change: c.254G>A on transcript NM_001002295.2 (MANE Select); coding-DNA position 254, G replaced by A.
Protein change: p.Cys85Tyr; replaces cysteine 85 with tyrosine.
Molecular consequence: missense variant.
Genome position (GRCh38, 1-based): chr10:8,058,317, G>A. VCF-style: chr10-8058317-G-A. GRCh37 (hg19) VCF-style: chr10-8100280-G-A.
Other names: c.254G>A, p.Cys85Tyr (NM_002051.3); c.254G>A (NM_001002295.1); short protein forms C85Y.
Identifiers: ClinVar variation 2414363 (VCV002414363.11), dbSNP rs371992168, ClinGen allele CA5404327.
Genomic context (GRCh38, chr10:8,058,317, plus strand): 5'-CACACTCACCCTCCTTCTCTCTCCTGCCCTTTCCCCGTTGCCCCACAGGGAGCCAGGTGT[G>A]CCGCCCGCCTCTGCTTCATGGATCCCTACCCTGGCTGGACGGCGGCAAAGCCCTGGGCAG-3'
Protein context (NP_001002295.1, residues 75-95): YPPTHHGSQV[Cys85Tyr]RPPLLHGSLP

ClinVar aggregate classification (germline): Conflicting classifications of pathogenicity. Review status: criteria provided, conflicting classifications (1 of 4 stars). 3 submissions from 3 submitters: Uncertain significance (2); Likely benign (1). Last evaluated 2026-01-01.

Allele frequency attached by ClinVar (database versions not stated): ESP Exome Variant Server 0.00015; gnomAD 0.00005; gnomAD exomes 0.00005; ExAC 0.00006; TOPMed 0.00009.
gnomAD v4.1: 83 of 1,613,074 alleles (0.0051%); highest among the groups gnomAD compares: African/African-American, 0.013%; 1 homozygote.

Submissions (3):

CeGaT Center for Human Genetics Tuebingen
Classification: Likely benign. Last evaluated: 2026-01-01. Review status: criteria provided, single submitter. Criteria: CeGaT Center For Human Genetics Tuebingen Variant Classification Criteria Version 2. Collection method: clinical testing. Allele origin: germline. Affected: yes. Observed: 1 variant allele.
Comment: GATA3: PP3, BS2

GeneDx
Classification: Uncertain significance. Last evaluated: 2025-07-11. Review status: criteria provided, single submitter. Criteria: GeneDx Variant Classification Process June 2021. Collection method: clinical testing. Allele origin: germline. Affected: yes.
Comment: In silico analysis supports that this missense variant has a deleterious effect on protein structure/function; Has not been previously published as pathogenic or benign to our knowledge

Labcorp Genetics (formerly Invitae), Labcorp
Classification: Uncertain significance. Last evaluated: 2025-04-19. Review status: criteria provided, single submitter. Criteria: Invitae Variant Classification Sherloc (09022015). Collection method: clinical testing. Allele origin: germline.
Comment: This sequence change replaces cysteine, which is neutral and slightly polar, with tyrosine, which is neutral and polar, at codon 85 of the GATA3 protein (p.Cys85Tyr). This variant is present in population databases (rs371992168, gnomAD 0.02%). This variant has not been reported in the literature in individuals affected with GATA3-related conditions. ClinVar contains an entry for this variant (Variation ID: 2414363). Invitae Evidence Modeling of protein sequence and biophysical properties (such as structural, functional, and spatial information, amino acid conservation, physicochemical variation, residue mobility, and thermodynamic stability) indicates that this missense variant is not expected to disrupt GATA3 protein function with a negative predictive value of 80%. In summary, the available evidence is currently insufficient to determine the role of this variant in disease. Therefore, it has been classified as a Variant of Uncertain Significance.